The following is an entry in ClinVar:

ClinVar aggregate classification (germline): Conflicting classifications of pathogenicity. Review status: criteria provided, conflicting classifications (1 of 4 stars). 2 submissions from 2 submitters: Uncertain significance (1); Likely benign (1). Last evaluated 2025-05-19.

Conditions:
Hereditary cancer-predisposing syndrome. Also called: Neoplastic Syndromes, Hereditary; Hereditary Cancer Syndrome; Hereditary neoplastic syndrome; Tumor predisposition. Identifiers: Orphanet 140162, MedGen C0027672, MeSH D009386, MONDO:0015356.
Hereditary breast ovarian cancer syndrome. Also called: Hereditary breast and ovarian cancer syndrome; Hereditary breast and ovarian cancer syndrome (HBOC); Hereditary breast and/or ovarian cancer syndrome; Hereditary breast and ovarian cancer; BRCA1- and BRCA2-Associated Hereditary Breast and Ovarian Cancer; Breast and ovarian cancer. Identifiers: Orphanet 145, MedGen C0677776, MeSH D061325, MONDO:0003582. Disease mechanism: loss of function.

Allele frequency attached by ClinVar (database versions not stated): TOPMed below 0.00001.

Submissions (2):

Ambry Genetics
Classification: Likely benign for Hereditary cancer-predisposing syndrome. Last evaluated: 2025-05-19. Review status: criteria provided, single submitter. Criteria: Ambry Variant Classification Scheme 2023. Collection method: clinical testing. Allele origin: germline.

Labcorp Genetics (formerly Invitae), Labcorp
Classification: Uncertain significance for Hereditary breast ovarian cancer syndrome. Last evaluated: 2024-05-05. Review status: criteria provided, single submitter. Criteria: Invitae Variant Classification Sherloc (09022015). Collection method: clinical testing. Allele origin: germline.
Comment: This sequence change replaces isoleucine, which is neutral and non-polar, with threonine, which is neutral and polar, at codon 2579 of the BRCA2 protein (p.Ile2579Thr). This variant is not present in population databases (gnomAD no frequency). This variant has not been reported in the literature in individuals affected with BRCA2-related conditions. ClinVar contains an entry for this variant (Variation ID: 933737). Advanced modeling of protein sequence and biophysical properties (such as structural, functional, and spatial information, amino acid conservation, physicochemical variation, residue mobility, and thermodynamic stability) performed at Invitae indicates that this missense variant is not expected to disrupt BRCA2 protein function with a negative predictive value of 95%. In summary, the available evidence is currently insufficient to determine the role of this variant in disease. Therefore, it has been classified as a Variant of Uncertain Significance.

NM_000059.4(BRCA2):c.7736T>C (p.Ile2579Thr)

Gene: BRCA2 (BRCA2 DNA repair associated; plus strand). Cytogenetic location: 13q13.1.
Variant type: single nucleotide variant.
Coding change: c.7736T>C on transcript NM_000059.4 (MANE Select); coding-DNA position 7736, T replaced by C.
Protein change: p.Ile2579Thr; replaces isoleucine 2579 with threonine.
Molecular consequence: missense variant.
Genome position (GRCh38, 1-based): chr13:32,357,860, T>C. VCF-style: chr13-32357860-T-C. GRCh37 (hg19) VCF-style: chr13-32931997-T-C.
Other names: short protein forms I2579T.
Identifiers: ClinVar variation 933737 (VCV000933737.13), dbSNP rs2072710157, ClinGen allele CA387745598.